The following is an entry in ClinVar:

ClinVar aggregate classification (germline): Likely pathogenic (1 of 4 stars; one submission).

Conditions:
Neurodevelopmental disorder with hypotonia, impaired speech, and behavioral abnormalities (NEDHISB). Also called: GNAI1-Related Neurodevelopmental Disorder. Identifiers: MedGen C5676975, MONDO:0859243, OMIM 619854.

Allele frequency attached by ClinVar (database versions not stated): gnomAD exomes below 0.00001.
gnomAD v4.1: 1 of 1,613,224 alleles (0.000062%); highest among the groups gnomAD compares: Non-Finnish European, 0.000085%; no homozygotes.

Submission:

Laboratorio de Genetica e Diagnostico Molecular, Hospital Israelita Albert Einstein
Classification: Likely pathogenic for Neurodevelopmental disorder with hypotonia, impaired speech, and behavioral abnormalities. Last evaluated: 2022-10-14. Review status: criteria provided, single submitter. Criteria: ACMG Guidelines, 2015. Collection method: clinical testing. Allele origin: germline. Affected: yes. Observed: 1 variant allele.
Comment: ACMG classification criteria: PS4 supporting, PM2 moderated, PM6 moderated, PP3 supporting

NM_002069.6(GNAI1):c.611A>G (p.Gln204Arg)

Gene: GNAI1 (G protein subunit alpha i1; plus strand). Cytogenetic location: 7q21.11.
Variant type: single nucleotide variant.
Coding change: c.611A>G on transcript NM_002069.6 (MANE Select); coding-DNA position 611, A replaced by G.
Protein change: p.Gln204Arg; replaces glutamine 204 with arginine.
Molecular consequence: missense variant.
Genome position (GRCh38, 1-based): chr7:80,210,989, A>G. VCF-style: chr7-80210989-A-G. GRCh37 (hg19) VCF-style: chr7-79840305-A-G.
Other names: c.455A>G, p.Gln152Arg (NM_001256414.2); short protein forms Q152R, Q204R.
Identifiers: ClinVar variation 2431632 (VCV002431632.1), dbSNP rs1788863320, ClinGen allele CA368012588.